The following is an entry in ClinVar:

NM_000214.3(JAG1):c.3557C>T (p.Pro1186Leu)

Gene: JAG1 (jagged canonical Notch ligand 1; minus strand). Cytogenetic location: 20p12.2.
Variant type: single nucleotide variant.
Coding change: c.3557C>T on transcript NM_000214.3 (MANE Select); coding-DNA position 3557, C replaced by T.
Protein change: p.Pro1186Leu; replaces proline 1186 with leucine.
Molecular consequence: missense variant.
Genome position (GRCh38, 1-based): chr20:10,639,598, G>A on the plus strand (C>T on the coding strand, the complement: JAG1 is on the minus strand). VCF-style: chr20-10639598-G-A. GRCh37 (hg19) VCF-style: chr20-10620246-G-A.
Other names: short protein forms P1186L.
Identifiers: ClinVar variation 2442559 (VCV002442559.1), dbSNP rs886357715, ClinGen allele CA408242520.
Genomic context (GRCh38, chr20:10,639,598, plus strand): 5'-TCCAAGTCTCTGTTGTCCTGTTTGTTTGTCCAGTTTGGGTGTTTTGTCGGCGTGCCGTTG[G>A]GGGGCTTCTCTTCTCTGTCTACCAGCGTGTACGCCGGCTGCTTGGCAAACCGGGCTTTCT-3'
Protein context (NP_000205.1, residues 1176-1196): YTLVDREEKP[Pro1186Leu]NGTPTKHPNW

ClinVar aggregate classification (germline): Uncertain significance (1 of 4 stars; one submission).

gnomAD v4.1: 4 of 1,614,180 alleles (0.00025%); highest among the groups gnomAD compares: Non-Finnish European, 0.00034%; no homozygotes.

Submission:

GeneDx
Classification: Uncertain significance. Last evaluated: 2022-08-30. Review status: criteria provided, single submitter. Criteria: GeneDx Variant Classification Process June 2021. Collection method: clinical testing. Allele origin: germline. Affected: yes.
Comment: Not observed at significant frequency in large population cohorts (gnomAD); In silico analysis supports that this missense variant has a deleterious effect on protein structure/function; Has not been previously published as pathogenic or benign to our knowledge